The following is an entry in ClinVar:

ClinVar aggregate classification (germline): Uncertain significance (1 of 4 stars; one submission).

Allele frequency attached by ClinVar (database versions not stated): gnomAD exomes below 0.00001.
gnomAD v4.1: 3 of 1,614,018 alleles (0.00019%); highest among the groups gnomAD compares: Non-Finnish European, 0.00025%; no homozygotes.

Submission:

Labcorp Genetics (formerly Invitae), Labcorp
Classification: Uncertain significance. Last evaluated: 2022-07-25. Review status: criteria provided, single submitter. Criteria: Invitae Variant Classification Sherloc (09022015). Collection method: clinical testing. Allele origin: germline.
Comment: This sequence change replaces valine, which is neutral and non-polar, with isoleucine, which is neutral and non-polar, at codon 5579 of the ADGRV1 protein (p.Val5579Ile). This variant is not present in population databases (gnomAD no frequency). This variant has not been reported in the literature in individuals affected with ADGRV1-related conditions. Algorithms developed to predict the effect of missense changes on protein structure and function output the following: SIFT: "Tolerated"; PolyPhen-2: "Benign"; Align-GVGD: "Class C0". The isoleucine amino acid residue is found in multiple mammalian species, which suggests that this missense change does not adversely affect protein function. In summary, the available evidence is currently insufficient to determine the role of this variant in disease. Therefore, it has been classified as a Variant of Uncertain Significance.

NM_032119.4(ADGRV1):c.16735G>A (p.Val5579Ile)

Gene: ADGRV1 (adhesion G protein-coupled receptor V1; plus strand). Cytogenetic location: 5q14.3.
Variant type: single nucleotide variant.
Coding change: c.16735G>A on transcript NM_032119.4 (MANE Select); coding-DNA position 16735, G replaced by A.
Protein change: p.Val5579Ile; replaces valine 5579 with isoleucine.
Molecular consequence: missense variant. On other transcripts: non-coding transcript variant (1).
Genome position (GRCh38, 1-based): chr5:90,840,701, G>A. VCF-style: chr5-90840701-G-A. GRCh37 (hg19) VCF-style: chr5-90136518-G-A.
Other names: short protein forms V5579I.
Identifiers: ClinVar variation 1713746 (VCV001713746.3), dbSNP rs2532439616, ClinGen allele CA360428401.
Genomic context (GRCh38, chr5:90,840,701, plus strand): 5'-TTTGTGATAACTGAAGGCACATTGGTCTTTGAACCTGGCCAGAGAAGCACTGTATTGGAT[G>A]TCATCCTAACGCCAGAGACAGGATCTTTAAATTCATTTCCTAAACGCTTCCAGATTGTCC-3'
Protein context (NP_115495.3, residues 5569-5589): EPGQRSTVLD[Val5579Ile]ILTPETGSLN